The following is an entry in ClinVar:

ClinVar aggregate classification (germline): Uncertain significance (1 of 4 stars; one submission).

Conditions:
Neuroblastoma, susceptibility to, 3. Also called: ALK-Related Neuroblastic Tumor Susceptibility. Identifiers: Orphanet 635, MedGen C2751681, MONDO:0013083, OMIM 613014.

Submission:

Labcorp Genetics (formerly Invitae), Labcorp
Classification: Uncertain significance for Neuroblastoma, susceptibility to, 3. Last evaluated: 2021-06-26. Review status: criteria provided, single submitter. Criteria: Invitae Variant Classification Sherloc (09022015). Collection method: clinical testing. Allele origin: germline.
Comment: The frequency data for this variant in the population databases is not available, as this variant may be reported as separate entries in the ExAC database. This sequence change replaces valine with leucine at codon 1013 of the ALK protein (p.Val1013Leu). The valine residue is moderately conserved and there is a small physicochemical difference between valine and leucine. This variant has not been reported in the literature in individuals with ALK-related conditions. In summary, the available evidence is currently insufficient to determine the role of this variant in disease. Therefore, it has been classified as a Variant of Uncertain Significance. Experimental studies and prediction algorithms are not available or were not evaluated, and the functional significance of this variant is currently unknown.

NM_004304.5(ALK):c.3036_3037delinsAT (p.Val1013Leu)

Gene: ALK (ALK receptor tyrosine kinase; minus strand). Cytogenetic location: 2p23.2.
Variant type: Indel.
Coding change: c.3036_3037delinsAT on transcript NM_004304.5 (MANE Select); coding-DNA positions 3036 to 3037, GG replaced by AT.
Protein change: p.Val1013Leu; replaces valine 1013 with leucine.
Molecular consequence: missense variant.
Genome position (GRCh38, 1-based): chr2:29,226,952-29,226,953, CC replaced by AT on the plus strand (GG replaced by AT on the coding strand, the reverse complement: ALK is on the minus strand). VCF-style: chr2-29226952-CC-AT. GRCh37 (hg19) VCF-style: chr2-29449818-CC-AT.
Other names: short protein forms V1013L.
Identifiers: ClinVar variation 1379905 (VCV001379905.6), dbSNP rs2148178369, ClinGen allele CA2573134559.
Genomic context (GRCh38, chr2:29,226,952, plus strand): 5'-CCTCTGCCTCCCCTGGCCCTGCCCCCTTACCAATGCAGGAGACGCCATCCTCAGCCAGCA[CC>AT]GTCCCGTGGTCACAGAAGCAGATGACCTTGTGGCTTTCAGGGTCCATGTGACATTCGTCT-3'
Protein context (NP_004295.2, residues 1003-1023): KVICFCDHGT[Val1013Leu]LAEDGVSCIV